The following is an entry in ClinVar:

NM_000829.4(GRIA4):c.763G>A (p.Gly255Ser)

Gene: GRIA4 (glutamate ionotropic receptor AMPA type subunit 4; plus strand). Cytogenetic location: 11q22.3.
Variant type: single nucleotide variant.
Coding change: c.763G>A on transcript NM_000829.4 (MANE Select); coding-DNA position 763, G replaced by A.
Protein change: p.Gly255Ser; replaces glycine 255 with serine.
Molecular consequence: missense variant. On other transcripts: non-coding transcript variant (1).
Genome position (GRCh38, 1-based): chr11:105,898,305, G>A. VCF-style: chr11-105898305-G-A. GRCh37 (hg19) VCF-style: chr11-105769031-G-A.
Other names: c.763G>A, p.Gly255Ser (NM_001077243.3, NM_001077244.2, NM_001112812.2); short protein forms G255S.
Identifiers: ClinVar variation 2050221 (VCV002050221.4), dbSNP rs1439197998, ClinGen allele CA382302876.
Genomic context (GRCh38, chr11:105,898,305, plus strand): 5'-AATCTTTTGTATTAATTTTTATAGGGATTCAAGGATATTTCTCTTGAGAGGTTTATACAT[G>A]GTGGAGCCAATGTTACTGGATTCCAGTTGGTGGATTTTAATACACCTATGGTAATCAAAC-3'
Protein context (NP_000820.4, residues 245-265): KDISLERFIH[Gly255Ser]GANVTGFQLV

ClinVar aggregate classification (germline): Uncertain significance (1 of 4 stars; one submission).

Allele frequency attached by ClinVar (database versions not stated): gnomAD 0.00001.
gnomAD v4.1: 3 of 1,567,528 alleles (0.00019%); highest among the groups gnomAD compares: Admixed American, 0.005%; no homozygotes.

Submission:

Labcorp Genetics (formerly Invitae), Labcorp
Classification: Uncertain significance. Last evaluated: 2021-12-20. Review status: criteria provided, single submitter. Criteria: Invitae Variant Classification Sherloc (09022015). Collection method: clinical testing. Allele origin: germline.
Comment: In summary, the available evidence is currently insufficient to determine the role of this variant in disease. Therefore, it has been classified as a Variant of Uncertain Significance. This sequence change replaces glycine, which is neutral and non-polar, with serine, which is neutral and polar, at codon 255 of the GRIA4 protein (p.Gly255Ser). This variant is present in population databases (no rsID available, gnomAD 0.006%). This variant has not been reported in the literature in individuals affected with GRIA4-related conditions. Algorithms developed to predict the effect of missense changes on protein structure and function are either unavailable or do not agree on the potential impact of this missense change (SIFT: "Deleterious"; PolyPhen-2: "Possibly Damaging"; Align-GVGD: "Class C0").